The following is an entry in ClinVar:

NM_001853.4(COL9A3):c.880G>T (p.Ala294Ser)

Gene: COL9A3 (collagen type IX alpha 3 chain; plus strand). Cytogenetic location: 20q13.33.
Variant type: single nucleotide variant.
Coding change: c.880G>T on transcript NM_001853.4 (MANE Select); coding-DNA position 880, G replaced by T.
Protein change: p.Ala294Ser; replaces alanine 294 with serine.
Molecular consequence: missense variant.
Genome position (GRCh38, 1-based): chr20:62,827,956, G>T. VCF-style: chr20-62827956-G-T. GRCh37 (hg19) VCF-style: chr20-61459308-G-T.
Other names: short protein forms A294S.
Identifiers: ClinVar variation 1012098 (VCV001012098.7), dbSNP rs367864207, ClinGen allele CA9949572.

ClinVar aggregate classification (germline): Uncertain significance (1 of 4 stars; one submission).

Allele frequency attached by ClinVar (database versions not stated): gnomAD exomes below 0.00001 and 0.00001; gnomAD 0.00001; ExAC 0.00002; TOPMed 0.00003; ESP Exome Variant Server 0.00008.
gnomAD v4.1: 9 of 1,612,870 alleles (0.00056%); highest among the groups gnomAD compares: African/African-American, 0.004%; no homozygotes.

Submission:

Labcorp Genetics (formerly Invitae), Labcorp
Classification: Uncertain significance. Last evaluated: 2024-05-06. Review status: criteria provided, single submitter. Criteria: Invitae Variant Classification Sherloc (09022015). Collection method: clinical testing. Allele origin: germline.
Comment: This sequence change replaces alanine, which is neutral and non-polar, with serine, which is neutral and polar, at codon 294 of the COL9A3 protein (p.Ala294Ser). This variant is present in population databases (rs367864207, gnomAD 0.003%). This variant has not been reported in the literature in individuals affected with COL9A3-related conditions. ClinVar contains an entry for this variant (Variation ID: 1012098). Advanced modeling of protein sequence and biophysical properties (such as structural, functional, and spatial information, amino acid conservation, physicochemical variation, residue mobility, and thermodynamic stability) performed at Invitae indicates that this missense variant is not expected to disrupt COL9A3 protein function with a negative predictive value of 95%. In summary, the available evidence is currently insufficient to determine the role of this variant in disease. Therefore, it has been classified as a Variant of Uncertain Significance.